The following is an entry in ClinVar:

ClinVar aggregate classification (germline): Uncertain significance (1 of 4 stars; one submission).

Allele frequency attached by ClinVar (database versions not stated): ExAC 0.00001; gnomAD 0.00003; gnomAD exomes 0.00004; TOPMed 0.00008; ESP Exome Variant Server 0.00015.
gnomAD v4.1: 68 of 1,613,202 alleles (0.0042%); highest among the groups gnomAD compares: Admixed American, 0.0083%; no homozygotes.

Submission:

Labcorp Genetics (formerly Invitae), Labcorp
Classification: Uncertain significance. Last evaluated: 2022-04-10. Review status: criteria provided, single submitter. Criteria: Invitae Variant Classification Sherloc (09022015). Collection method: clinical testing. Allele origin: germline.
Comment: This sequence change replaces threonine, which is neutral and polar, with methionine, which is neutral and non-polar, at codon 1530 of the C2CD3 protein (p.Thr1530Met). This variant is present in population databases (rs145271806, gnomAD 0.01%). This variant has not been reported in the literature in individuals affected with C2CD3-related conditions. Algorithms developed to predict the effect of missense changes on protein structure and function are either unavailable or do not agree on the potential impact of this missense change (SIFT: "Tolerated"; PolyPhen-2: "Probably Damaging"; Align-GVGD: "Class C0"). In summary, the available evidence is currently insufficient to determine the role of this variant in disease. Therefore, it has been classified as a Variant of Uncertain Significance.

NM_001286577.2(C2CD3):c.4589C>T (p.Thr1530Met)

Gene: C2CD3 (C2 domain containing 3 centriole elongation regulator; minus strand). Cytogenetic location: 11q13.4.
Variant type: single nucleotide variant.
Coding change: c.4589C>T on transcript NM_001286577.2 (MANE Select); coding-DNA position 4589, C replaced by T.
Protein change: p.Thr1530Met; replaces threonine 1530 with methionine.
Molecular consequence: missense variant.
Genome position (GRCh38, 1-based): chr11:74,078,129, G>A on the plus strand (C>T on the coding strand, the complement: C2CD3 is on the minus strand). VCF-style: chr11-74078129-G-A. GRCh37 (hg19) VCF-style: chr11-73789174-G-A.
Other names: c.4589C>T, p.Thr1530Met (NM_015531.6); short protein forms T1530M.
Identifiers: ClinVar variation 2065261 (VCV002065261.1), dbSNP rs145271806, ClinGen allele CA6182118.